The following is an entry in ClinVar:

ClinVar aggregate classification (germline): Benign. Review status: criteria provided, multiple submitters, no conflicts (2 of 4 stars). 2 submissions from 2 submitters: Benign (2). Last evaluated 2018-01-13.

Conditions:
Pseudohypoaldosteronism type 2E (PHA2E). Also called: Pseudohypoaldosteronism Type IIE. Identifiers: Orphanet 300530, Orphanet 757, MedGen C3469606, MONDO:0013782, OMIM 614496.

Allele frequency attached by ClinVar (database versions not stated): gnomAD exomes 0.99404; gnomAD 0.99420 and 0.99431; TOPMed 0.99488; 1000 Genomes Project 30x 0.99547; 1000 Genomes Project 0.99561.
gnomAD v4.1: 229,379 of 230,708 alleles (99%); highest among the groups gnomAD compares: East Asian, 100%; 114,034 homozygotes.

Submissions (2):

Illumina Laboratory Services, Illumina
Classification: Benign for Pseudohypoaldosteronism type 2E. Last evaluated: 2018-01-13. Review status: criteria provided, single submitter. Criteria: ICSL Variant Classification Criteria 13 December 2019. Collection method: clinical testing. Allele origin: germline.
Comment: This variant was observed in the ICSL laboratory as part of a predisposition screen in an ostensibly healthy population. It had not been previously curated by ICSL or reported in the Human Gene Mutation Database (HGMD: prior to June 1st, 2018), and was therefore a candidate for classification through an automated scoring system. Utilizing variant allele frequency, disease prevalence and penetrance estimates, and inheritance mode, an automated score was calculated to assess if this variant is too frequent to cause the disease. Based on the score and internal cut-off values, a variant classified as benign is not then subjected to further curation. The score for this variant resulted in a classification of benign for this disease.

Breakthrough Genomics
Classification: Benign. Review status: criteria provided, single submitter. Criteria: ACMG Guidelines, 2015. Collection method: not provided. Allele origin: germline. Inheritance: Autosomal dominant inheritance. Affected: yes.

NM_003590.5(CUL3):c.*3789C>T

Gene: CUL3 (cullin 3; minus strand). Cytogenetic location: 2q36.2.
Variant type: single nucleotide variant.
Coding change: c.*3789C>T on transcript NM_003590.5 (MANE Select); 3789 bases downstream of the stop codon, C replaced by T.
Molecular consequence: 3 prime UTR variant.
Genome position (GRCh38, 1-based): chr2:224,470,456, G>A on the plus strand (C>T on the coding strand, the complement: CUL3 is on the minus strand). VCF-style: chr2-224470456-G-A. GRCh37 (hg19) VCF-style: chr2-225335173-G-A.
Other names: c.*3789C>T (NM_001257197.2, NM_001257198.2).
Identifiers: ClinVar variation 334570 (VCV000334570.7), dbSNP rs4234054, ClinGen allele CA10612899.